The following is an entry in ClinVar:

NM_000038.6(APC):c.8480G>A (p.Gly2827Glu)

Gene: APC (APC regulator of Wnt signaling pathway; plus strand). Cytogenetic location: 5q22.2.
Variant type: single nucleotide variant.
Coding change: c.8480G>A on transcript NM_000038.6 (MANE Select); coding-DNA position 8480, G replaced by A.
Protein change: p.Gly2827Glu; replaces glycine 2827 with glutamic acid.
Molecular consequence: missense variant.
Genome position (GRCh38, 1-based): chr5:112,844,074, G>A. VCF-style: chr5-112844074-G-A. GRCh37 (hg19) VCF-style: chr5-112179771-G-A.
Other names: c.8480G>A, p.Gly2827Glu (NM_001127510.3, NM_001354895.2); c.8426G>A, p.Gly2809Glu (NM_001127511.3); c.8534G>A, p.Gly2845Glu (NM_001354896.2); c.8510G>A, p.Gly2837Glu (NM_001354897.2); c.8405G>A, p.Gly2802Glu (NM_001354898.2); c.8396G>A, p.Gly2799Glu (NM_001354899.2); c.8357G>A, p.Gly2786Glu (NM_001354900.2); c.8303G>A, p.Gly2768Glu (NM_001354901.2); and 5 more; short protein forms G2544E, G2726E, G2768E, G2786E, G2799E, G2845E, G2667E, G2701E.
Identifiers: ClinVar variation 920794 (VCV000920794.17), dbSNP rs571511652, ClinGen allele CA050883.

ClinVar aggregate classification (germline): Conflicting classifications of pathogenicity. Review status: criteria provided, conflicting classifications (1 of 4 stars). 5 submissions from 5 submitters: Uncertain significance (4); Likely benign (1). Last evaluated 2025-08-11.

Conditions:
Hereditary cancer-predisposing syndrome. Also called: Neoplastic Syndromes, Hereditary; Tumor predisposition; Hereditary Cancer Syndrome; Hereditary neoplastic syndrome. Identifiers: Orphanet 140162, MedGen C0027672, MeSH D009386, MONDO:0015356.
Familial adenomatous polyposis 1 (FAP1). Also called: FAMILIAL ADENOMATOUS POLYPOSIS 1, ATTENUATED; POLYPOSIS, ADENOMATOUS INTESTINAL. Identifiers: MedGen C2713442, MONDO:0021056, OMIM 175100. Disease mechanism: loss of function.
Classic or attenuated familial adenomatous polyposis. Identifiers: MedGen CN372698, MONDO:0021057.

Allele frequency attached by ClinVar (database versions not stated): gnomAD exomes below 0.00001 and 0.00002; gnomAD 0.00001; ExAC 0.00002; 1000 Genomes Project 0.00020; 1000 Genomes Project 30x 0.00031.
gnomAD v4.1: 8 of 1,608,674 alleles (0.0005%); highest among the groups gnomAD compares: South Asian, 0.0067%; no homozygotes.

Submissions (5):

Labcorp Genetics (formerly Invitae), Labcorp
Classification: Uncertain significance for Familial adenomatous polyposis 1. Last evaluated: 2025-08-11. Review status: criteria provided, single submitter. Criteria: Invitae Variant Classification Sherloc (09022015). Collection method: clinical testing. Allele origin: germline.
Comment: This sequence change replaces glycine, which is neutral and non-polar, with glutamic acid, which is acidic and polar, at codon 2827 of the APC protein (p.Gly2827Glu). This variant is present in population databases (rs571511652, gnomAD 0.01%). This variant has not been reported in the literature in individuals affected with APC-related conditions. ClinVar contains an entry for this variant (Variation ID: 920794). Invitae Evidence Modeling of protein sequence and biophysical properties (such as structural, functional, and spatial information, amino acid conservation, physicochemical variation, residue mobility, and thermodynamic stability) indicates that this missense variant is not expected to disrupt APC protein function with a negative predictive value of 95%. In summary, the available evidence is currently insufficient to determine the role of this variant in disease. Therefore, it has been classified as a Variant of Uncertain Significance.

Color Diagnostics, LLC DBA Color Health
Classification: Uncertain significance for Hereditary cancer-predisposing syndrome. Last evaluated: 2023-12-05. Review status: criteria provided, single submitter. Criteria: ACMG Guidelines, 2015. Collection method: clinical testing. Allele origin: germline.
Comment: This missense variant replaces glycine with glutamic acid at codon 2827 of the APC protein. Computational prediction is inconclusive regarding the impact of this variant on protein structure and function (internally defined REVEL score threshold 0.5 < inconclusive < 0.7, PMID: 27666373). To our knowledge, functional studies have not been reported for this variant. This variant has not been reported in individuals affected with APC-related disorders in the literature. This variant has been identified in 4/244416 chromosomes in the general population by the Genome Aggregation Database (gnomAD). The available evidence is insufficient to determine the role of this variant in disease conclusively. Therefore, this variant is classified as a Variant of Uncertain Significance.

All of Us Research Program, National Institutes of Health
Classification: Uncertain significance for Classic or attenuated familial adenomatous polyposis. Last evaluated: 2023-06-15. Review status: criteria provided, single submitter. Criteria: ACMG Guidelines, 2015. Collection method: clinical testing. Allele origin: germline. Inheritance: Autosomal dominant inheritance. Observed: 1 variant allele, 1 heterozygote.
Comment: This study involves interpretation of variants in research participants for the purpose of population health screening. Participant phenotype was not available at the time of variant classification. Additional details can be found in publication PMID: 35346344, PMCID: PMC8962531

Quest Diagnostics Nichols Institute San Juan Capistrano
Classification: Uncertain significance. Last evaluated: 2023-02-01. Review status: criteria provided, single submitter. Criteria: Quest Diagnostics criteria. Collection method: clinical testing. Allele origin: unknown.
Comment: To the best of our knowledge, the variant has not been reported in the published literature. The frequency of this variant in the general population, 0.00014 (4/28642 chromosomes in South Asian subpopulation), is higher than would generally be expected for pathogenic variants in this gene. Analysis of this variant using bioinformatics tools for the prediction of the effect of amino acid changes on protein structure and function yielded predictions that this variant is damaging. Based on the available information, we are unable to determine the clinical significance of this variant.

Ambry Genetics
Classification: Likely benign for Hereditary cancer-predisposing syndrome. Last evaluated: 2022-06-20. Review status: criteria provided, single submitter. Criteria: Ambry Variant Classification Scheme 2023. Collection method: clinical testing. Allele origin: germline.